The following is an entry in ClinVar:

ClinVar aggregate classification (germline): Pathogenic. Review status: criteria provided, multiple submitters, no conflicts (2 of 4 stars). 3 submissions from 3 submitters: Pathogenic (2). 1 of the submissions does not count toward it. Last evaluated 2023-11-22.

Conditions:
Glycogen storage disease type III (GSD3). Also called: Cori disease; FORBES DISEASE. Identifiers: Orphanet 366, MedGen C0017922, MONDO:0009291, OMIM 232400.

Submissions (3):

Labcorp Genetics (formerly Invitae), Labcorp
Classification: Pathogenic for Glycogen storage disease type III. Last evaluated: 2023-11-22. Review status: criteria provided, single submitter. Criteria: Invitae Variant Classification Sherloc (09022015). Collection method: clinical testing. Allele origin: germline.
Comment: This sequence change creates a premature translational stop signal (p.Ala117Leufs*10) in the AGL gene. It is expected to result in an absent or disrupted protein product. Loss-of-function variants in AGL are known to be pathogenic (PMID: 19299494). This variant is not present in population databases (gnomAD no frequency). This premature translational stop signal has been observed in individual(s) with clinical features of AGL-related disease (PMID: 26913919; Invitae). ClinVar contains an entry for this variant (Variation ID: 370199). For these reasons, this variant has been classified as Pathogenic.

Genome-Nilou Lab
Classification: Pathogenic for Glycogen storage disease type III. Last evaluated: 2021-07-15. Review status: criteria provided, single submitter. Criteria: ACMG Guidelines, 2015. Collection method: clinical testing. Allele origin: germline. Affected: no.

Counsyl
Classification: Likely pathogenic for Glycogen storage disease type III. Last evaluated: 2015-12-14. Review status: no assertion criteria provided. Collection method: clinical testing. Allele origin: unknown. Not counted in ClinVar's aggregate classification.

Literature cited by the submitters: PubMed 19299494 (cited by Labcorp Genetics (formerly Invitae), Labcorp); PubMed 26913919 (cited by Labcorp Genetics (formerly Invitae), Labcorp).

NM_000642.3(AGL):c.348_373del (p.Ala117fs)

Gene: AGL (amylo-alpha-1,6-glucosidase and 4-alpha-glucanotransferase; plus strand). Cytogenetic location: 1p21.2.
Variant type: Deletion.
Coding change: c.348_373del on transcript NM_000642.3 (MANE Select); coding-DNA positions 348 to 373, 26 bases deleted (TGCTGATAATCATGTGCTACCCTTGG).
Protein change: p.Ala117fs; shifts the reading frame from alanine 117.
Molecular consequence: frameshift variant.
Genome position (GRCh38, 1-based): chr1:99,862,311-99,862,336, TGCTGATAATCATGTGCTACCCTTGG deleted; deleting any 26 consecutive bases within chr1:99,862,307-99,862,336 gives the same sequence; the c. name uses the placement nearest the transcript's 3' end. VCF-style (leftmost placement, unchanged base first): chr1-99862306-GTTGGTGCTGATAATCATGTGCTACCC-G. GRCh37 (hg19) VCF-style: chr1-100327862-GTTGGTGCTGATAATCATGTGCTACCC-G.
Other names: c.348_373del (NM_000642.2); c.348_373del26, p.Ala117Leufs (NM_000028.3, NM_000643.3, NM_000644.3 and 5 more transcripts); c.300_325del26, p.Ala101Leufs (NM_000646.3); short protein forms A101fs, A117fs.
Identifiers: ClinVar variation 370199 (VCV000370199.12), dbSNP rs1057516308, ClinGen allele CA16040824.